The following is an entry in ClinVar:

ClinVar aggregate classification (germline): Uncertain significance. Review status: criteria provided, multiple submitters, no conflicts (2 of 4 stars). 2 submissions from 2 submitters: Uncertain significance (2). Last evaluated 2026-08-17.

Conditions:
Noonan syndrome (NS). Also called: Noonan's syndrome. Identifiers: Orphanet 648, MedGen C0028326, MeSH D009634, MONDO:0018997. Disease mechanism: gain of function.

gnomAD v4.1: 2 of 1,591,000 alleles (0.00013%); highest among the groups gnomAD compares: Non-Finnish European, 0.000085%; no homozygotes.

Submissions (2):

Ambry Genetics
Classification: Uncertain significance. Last evaluated: 2026-08-17. Review status: criteria provided, single submitter. Criteria: Ambry Variant Classification Scheme 2023. Collection method: clinical testing. Allele origin: germline.

Labcorp Genetics (formerly Invitae), Labcorp
Classification: Uncertain significance for Noonan syndrome. Last evaluated: 2025-07-03. Review status: criteria provided, single submitter. Criteria: Invitae Variant Classification Sherloc (09022015). Collection method: clinical testing. Allele origin: germline.
Comment: This sequence change replaces serine, which is neutral and polar, with arginine, which is basic and polar, at codon 43 of the RRAS protein (p.Ser43Arg). This variant is not present in population databases (gnomAD no frequency). This variant has not been reported in the literature in individuals affected with RRAS-related conditions. An algorithm developed to predict the effect of missense changes on protein structure and function (PolyPhen-2) suggests that this variant is likely to be disruptive. In summary, the available evidence is currently insufficient to determine the role of this variant in disease. Therefore, it has been classified as a Variant of Uncertain Significance.

NM_006270.5(RRAS):c.129C>A (p.Ser43Arg)

Gene: RRAS (RAS related; minus strand). Cytogenetic location: 19q13.33.
Variant type: single nucleotide variant.
Coding change: c.129C>A on transcript NM_006270.5 (MANE Select); coding-DNA position 129, C replaced by A.
Protein change: p.Ser43Arg; replaces serine 43 with arginine.
Molecular consequence: missense variant.
Genome position (GRCh38, 1-based): chr19:49,639,970, G>T on the plus strand (C>A on the coding strand, the complement: RRAS is on the minus strand). VCF-style: chr19-49639970-G-T. GRCh37 (hg19) VCF-style: chr19-50143227-G-T.
Other names: short protein forms S43R.
Identifiers: ClinVar variation 4156987 (VCV004156987.3).